The following is an entry in ClinVar:

NM_004187.5(KDM5C):c.4034C>T (p.Pro1345Leu)

Gene: KDM5C (lysine demethylase 5C; minus strand). Cytogenetic location: Xp11.22.
Variant type: single nucleotide variant.
Coding change: c.4034C>T on transcript NM_004187.5 (MANE Select); coding-DNA position 4034, C replaced by T.
Protein change: p.Pro1345Leu; replaces proline 1345 with leucine.
Molecular consequence: missense variant. On other transcripts: non-coding transcript variant (3).
Genome position (GRCh38, 1-based): chrX:53,194,143, G>A on the plus strand (C>T on the coding strand, the complement: KDM5C is on the minus strand). VCF-style: chrX-53194143-G-A. GRCh37 (hg19) VCF-style: chrX-53223325-G-A.
Other names: c.3833C>T, p.Pro1278Leu (NM_001146702.2); c.4031C>T, p.Pro1344Leu (NM_001282622.3, NM_001353979.2, NM_001353982.2); c.4034C>T, p.Pro1345Leu (NM_001353978.3, NM_001353981.2, NM_001353984.2); c.4034C>T (NM_004187.2); short protein forms P1278L, P1344L, P1345L.
Identifiers: ClinVar variation 1482813 (VCV001482813.7), dbSNP rs782668307, ClinGen allele CA10419154.

ClinVar aggregate classification (germline): Uncertain significance. Review status: criteria provided, multiple submitters, no conflicts (2 of 4 stars). 2 submissions from 2 submitters: Uncertain significance (2). Last evaluated 2025-08-01.

Conditions:
Spastic paraplegia. Identifiers: MedGen C0037772, HP:0001258.

Allele frequency attached by ClinVar (database versions not stated): gnomAD exomes below 0.00001 and 0.00001; TOPMed below 0.00001; ExAC 0.00003.
gnomAD v4.1: 3 of 1,196,941 alleles (0.00025%); highest among the groups gnomAD compares: Non-Finnish European, 0.00034%; no homozygotes.

Submissions (2):

GeneDx
Classification: Uncertain significance. Last evaluated: 2025-08-01. Review status: criteria provided, single submitter. Criteria: GeneDx Variant Classification Process June 2021. Collection method: clinical testing. Allele origin: germline. Affected: yes.
Comment: In silico analysis suggests that this missense variant does not alter protein structure/function; Has not been previously published as pathogenic or benign to our knowledge

Labcorp Genetics (formerly Invitae), Labcorp
Classification: Uncertain significance for Spastic paraplegia. Last evaluated: 2022-11-29. Review status: criteria provided, single submitter. Criteria: Invitae Variant Classification Sherloc (09022015). Collection method: clinical testing. Allele origin: germline.
Comment: In summary, the available evidence is currently insufficient to determine the role of this variant in disease. Therefore, it has been classified as a Variant of Uncertain Significance. Advanced modeling of protein sequence and biophysical properties (such as structural, functional, and spatial information, amino acid conservation, physicochemical variation, residue mobility, and thermodynamic stability) performed at Invitae indicates that this missense variant is not expected to disrupt KDM5C protein function. ClinVar contains an entry for this variant (Variation ID: 1482813). This variant has not been reported in the literature in individuals affected with KDM5C-related conditions. The frequency data for this variant in the population databases is considered unreliable, as metrics indicate poor data quality at this position in the gnomAD database. This sequence change replaces proline, which is neutral and non-polar, with leucine, which is neutral and non-polar, at codon 1345 of the KDM5C protein (p.Pro1345Leu).